The following is an entry in ClinVar:

NM_000179.3(MSH6):c.1811A>C (p.Glu604Ala)

Gene: MSH6 (mutS homolog 6; plus strand). Cytogenetic location: 2p16.3.
Variant type: single nucleotide variant.
Coding change: c.1811A>C on transcript NM_000179.3 (MANE Select); coding-DNA position 1811, A replaced by C.
Protein change: p.Glu604Ala; replaces glutamic acid 604 with alanine.
Molecular consequence: missense variant. On other transcripts: non-coding transcript variant (4), intron variant (2).
Genome position (GRCh38, 1-based): chr2:47,799,794, A>C. VCF-style: chr2-47799794-A-C. GRCh37 (hg19) VCF-style: chr2-48026933-A-C.
Other names: c.1421A>C, p.Glu474Ala (NM_001281492.2); c.905A>C, p.Glu302Ala (NM_001281493.2, NM_001281494.2, NM_001406811.1 and 6 more transcripts); c.1907A>C, p.Glu636Ala (NM_001406795.1, NM_001406802.1); c.1811A>C, p.Glu604Ala (NM_001406796.1, NM_001406798.1, NM_001406800.1 and 3 more transcripts); c.1514A>C, p.Glu505Ala (NM_001406797.1, NM_001406801.1, NM_001406805.1 and 10 more transcripts); c.1286A>C, p.Glu429Ala (NM_001406799.1, NM_001406806.1, NM_001406807.1); c.1733A>C, p.Glu578Ala (NM_001406804.1); c.1817A>C, p.Glu606Ala (NM_001406813.1); and 3 more; short protein forms E302A, E429A, E474A, E505A, E548A, E578A, E604A, E606A.
Identifiers: ClinVar variation 3075076 (VCV003075076.1), dbSNP rs2104369129, ClinGen allele CA346749388.

ClinVar aggregate classification (germline): Uncertain significance (1 of 4 stars; one submission).

Conditions:
Lynch syndrome. Identifiers: Orphanet 144, MedGen C4552100, MONDO:0005835. Disease mechanism: loss of function.

Submission:

All of Us Research Program, National Institutes of Health
Classification: Uncertain significance for Lynch syndrome. Last evaluated: 2023-12-18. Review status: criteria provided, single submitter. Criteria: ACMG Guidelines, 2015. Collection method: clinical testing. Allele origin: germline. Inheritance: Autosomal dominant inheritance. Observed: 1 variant allele, 1 heterozygote.
Comment: This missense variant replaces glutamic acid with alanine at codon 604 of the MSH6 protein. Computational prediction suggests that this variant may not impact protein structure and function (internally defined REVEL score threshold <= 0.5, PMID: 27666373). To our knowledge, functional studies have not been reported for this variant. This variant has not been reported in individuals affected with MSH6-related disorders in the literature. This variant has not been identified in the general population by the Genome Aggregation Database (gnomAD). The available evidence is insufficient to determine the role of this variant in disease conclusively. Therefore, this variant is classified as a Variant of Uncertain Significance.

This study involves interpretation of variants in research participants for the purpose of population health screening. Participant phenotype was not available at the time of variant classification. Additional details can be found in publication PMID: 35346344, PMCID: PMC8962531